The following is an entry in ClinVar:

NM_001174089.2(SLC4A11):c.425_432dup (p.Arg145fs)

Gene: SLC4A11 (solute carrier family 4 member 11; minus strand). Cytogenetic location: 20p13.
Variant type: Microsatellite.
Coding change: c.425_432dup on transcript NM_001174089.2 (MANE Select); coding-DNA positions 425 to 432, 8 bases duplicated (GCTTCGCC; older notation c.425_432dupGCTTCGCC).
Protein change: p.Arg145fs; shifts the reading frame from arginine 145.
Molecular consequence: frameshift variant. On other transcripts: non-coding transcript variant (1).
Genome position (GRCh38, 1-based): chr20:3,234,174-3,234,181, GGCGAAGC duplicated on the plus strand (GCTTCGCC on the coding strand, the reverse complement: SLC4A11 is on the minus strand); duplicating any 8 consecutive bases within chr20:3,234,174-3,234,189 gives the same sequence; the c. name uses the placement nearest the transcript's 3' end. VCF-style (leftmost placement, unchanged base first): chr20-3234173-T-TGGCGAAGC. GRCh37 (hg19) VCF-style: chr20-3214819-T-TGGCGAAGC.
Other names: c.473_480dup (NM_032034.3); c.554_561dup, p.Arg188fs (NM_001174090.2); c.425_432dup, p.Arg145fs (NM_001363745.2); c.473_480dup, p.Arg161fs (NM_032034.4); short protein forms R145fs, R161fs, R188fs.
Identifiers: ClinVar variation 1072511 (VCV001072511.8), dbSNP rs869320721, ClinGen allele CA2580614987.
Genomic context (GRCh38, chr20:3,234,173, plus strand): 5'-TGAAGAGCATGGCCATGAGCAGGTCCAGGTTGCAGTTGGGCTCATTGTTGTCAGGGTCCC[T>TGGCGAAGC]GGCGAAGCGGCGAAGCATGGTCCGCAGCACGTTATCCAGGGAGGTGGCCGTCTCGTTCAG-3'

ClinVar aggregate classification (germline): Pathogenic/Likely pathogenic. Review status: criteria provided, multiple submitters, no conflicts (2 of 4 stars). 2 submissions from 2 submitters: Pathogenic (1); Likely pathogenic (1). Last evaluated 2024-05-15.

Conditions:
Corneal dystrophy-perceptive deafness syndrome (CDPD). Also called: HARBOYAN SYNDROME; CORNEAL DYSTROPHY AND SENSORINEURAL DEAFNESS. Identifiers: Orphanet 1490, MedGen C1857572, MONDO:0009015, OMIM 217400.
Congenital hereditary endothelial dystrophy of cornea. Also called: Corneal endothelial dystrophy, autosomal recessive; Congenital hereditary endothelial dystrophy of the cornea; Maumenee corneal dystrophy; CORNEAL DYSTROPHY, CONGENITAL HEREDITARY ENDOTHELIAL; Congenital hereditary endothelial dystrophy type II. Identifiers: Orphanet 293603, MedGen C1857569, MONDO:0009019, OMIM 217700.
Corneal dystrophy, Fuchs endothelial, 4 (FECD4). Identifiers: Orphanet 98974, MedGen C2750450, MONDO:0013204, OMIM 613268.

Submissions (2):

Fulgent Genetics
Classification: Likely pathogenic for Corneal dystrophy-perceptive deafness syndrome; Congenital hereditary endothelial dystrophy of cornea; Corneal dystrophy, Fuchs endothelial, 4. Last evaluated: 2024-05-15. Review status: criteria provided, single submitter. Criteria: ACMG Guidelines, 2015. Collection method: clinical testing. Allele origin: germline.

Labcorp Genetics (formerly Invitae), Labcorp
Classification: Pathogenic. Last evaluated: 2020-09-26. Review status: criteria provided, single submitter. Criteria: Invitae Variant Classification Sherloc (09022015). Collection method: clinical testing. Allele origin: germline.
Comment: This variant has not been reported in the literature in individuals with SLC4A11-related conditions. For these reasons, this variant has been classified as Pathogenic. Loss-of-function variants in SLC4A11 are known to be pathogenic (PMID: 17220209, 17679935). This variant is not present in population databases (ExAC no frequency). This sequence change creates a premature translational stop signal (p.Arg161Alafs*48) in the SLC4A11 gene. It is expected to result in an absent or disrupted protein product.

Literature cited by the submitters: PubMed 17220209 (cited by Labcorp Genetics (formerly Invitae), Labcorp); PubMed 17679935 (cited by Labcorp Genetics (formerly Invitae), Labcorp).